The following is an entry in ClinVar:

NM_017763.6(RNF43):c.2009A>G (p.Gln670Arg)

Gene: RNF43 (ring finger protein 43; minus strand). Cytogenetic location: 17q22.
Variant type: single nucleotide variant.
Coding change: c.2009A>G on transcript NM_017763.6 (MANE Select); coding-DNA position 2009, A replaced by G.
Protein change: p.Gln670Arg; replaces glutamine 670 with arginine.
Molecular consequence: missense variant.
Genome position (GRCh38, 1-based): chr17:58,357,767, T>C on the plus strand (A>G on the coding strand, the complement: RNF43 is on the minus strand). VCF-style: chr17-58357767-T-C. GRCh37 (hg19) VCF-style: chr17-56435128-T-C.
Other names: c.2009A>G (NM_017763.4); c.2009A>G, p.Gln670Arg (NM_001305544.3); c.1628A>G, p.Gln543Arg (NM_001305545.2); short protein forms Q543R, Q670R.
Identifiers: ClinVar variation 1039541 (VCV001039541.11), dbSNP rs1972721806, ClinGen allele CA400386591.

ClinVar aggregate classification (germline): Uncertain significance. Review status: criteria provided, multiple submitters, no conflicts (2 of 4 stars). 3 submissions from 3 submitters: Uncertain significance (3). Last evaluated 2025-09-04.

gnomAD v4.1: 19 of 1,613,702 alleles (0.0012%); highest among the groups gnomAD compares: Non-Finnish European, 0.0015%; no homozygotes.

Submissions (3):

Labcorp Genetics (formerly Invitae), Labcorp
Classification: Uncertain significance. Last evaluated: 2025-09-04. Review status: criteria provided, single submitter. Criteria: Invitae Variant Classification Sherloc (09022015). Collection method: clinical testing. Allele origin: germline.
Comment: This sequence change replaces glutamine, which is neutral and polar, with arginine, which is basic and polar, at codon 670 of the RNF43 protein (p.Gln670Arg). This variant is not present in population databases (gnomAD no frequency). This variant has not been reported in the literature in individuals affected with RNF43-related conditions. ClinVar contains an entry for this variant (Variation ID: 1039541). An algorithm developed to predict the effect of missense changes on protein structure and function (PolyPhen-2) suggests that this variant is likely to be tolerated. In summary, the available evidence is currently insufficient to determine the role of this variant in disease. Therefore, it has been classified as a Variant of Uncertain Significance.

Center for Genomic Medicine, Rigshospitalet, Copenhagen University Hospital
Classification: Uncertain significance. Last evaluated: 2025-03-04. Review status: criteria provided, single submitter. Criteria: ACMG Guidelines, 2015. Collection method: clinical testing. Allele origin: germline.

Ambry Genetics
Classification: Uncertain significance. Last evaluated: 2024-11-28. Review status: criteria provided, single submitter. Criteria: Ambry Variant Classification Scheme 2023. Collection method: clinical testing. Allele origin: germline.
Comment: The p.Q670R variant (also known as c.2009A>G), located in coding exon 8 of the RNF43 gene, results from an A to G substitution at nucleotide position 2009. The glutamine at codon 670 is replaced by arginine, an amino acid with highly similar properties. This amino acid position is conserved. In addition, this alteration is predicted to be tolerated by in silico analysis. Based on the available evidence, the clinical significance of this variant remains unclear.